The following is an entry in ClinVar:

ClinVar aggregate classification (germline): Uncertain significance. Review status: criteria provided, multiple submitters, no conflicts (2 of 4 stars). 4 submissions from 4 submitters: Uncertain significance (3). 1 of the submissions does not count toward it. Last evaluated 2025-08-12.

Conditions:
CFTR-related disorder (CFTR-RD). Also called: CFTR-related disorders; CFTR-related condition. Identifiers: MedGen C5924204, MONDO:7770004.

Allele frequency attached by ClinVar (database versions not stated): gnomAD exomes below 0.00001 and 0.00001; ExAC 0.00001.
gnomAD v4.1: 2 of 1,542,522 alleles (0.00013%); highest among the groups gnomAD compares: Non-Finnish European, 0.00017%; no homozygotes.

Submissions (4):

Mayo Clinic Laboratories, Mayo Clinic
Classification: Uncertain significance. Last evaluated: 2025-08-12. Review status: criteria provided, single submitter. Criteria: ACMG Guidelines, 2015. Collection method: clinical testing. Allele origin: germline. Observed: 1 variant allele.
Comment: PM2_supporting

PreventionGenetics, part of Exact Sciences
Classification: Uncertain significance for CFTR-related condition. Last evaluated: 2025-02-18. Review status: criteria provided, single submitter. Criteria: ACMG Guidelines, 2015. Collection method: clinical testing. Allele origin: germline.
Comment: The CFTR c.2469A>T variant is predicted to result in the amino acid substitution p.Glu823Asp. To our knowledge, this variant has not been reported in the literature. This variant is reported in 0.0011% of alleles in individuals of European (Non-Finnish) descent in gnomAD. At this time, the clinical significance of this variant is uncertain due to the absence of conclusive functional and genetic evidence.

Women's Health and Genetics/Laboratory Corporation of America, LabCorp
Classification: Uncertain significance. Last evaluated: 2020-07-17. Review status: criteria provided, single submitter. Criteria: LabCorp Variant Classification Summary - May 2015. Collection method: clinical testing. Allele origin: germline.
Comment: Variant summary: CFTR c.2469A>T (p.Glu823Asp) results in a conservative amino acid change located in the CFTR regulator domain (IPR025837) of the encoded protein sequence. Three of five in-silico tools predict a benign effect of the variant on protein function. The variant allele was found at a frequency of 5.2e-06 in 192556 control chromosomes (gnomAD). The available data on variant occurrences in the general population are insufficient to allow any conclusion about variant significance. To our knowledge, no occurrence of c.2469A>T in individuals affected with Cystic Fibrosis and no experimental evidence demonstrating its impact on protein function have been reported. No clinical diagnostic laboratories have submitted clinical-significance assessments for this variant to ClinVar after 2014. Based on the evidence outlined above, the variant was classified as uncertain significance.

Natera, Inc.
Classification: Uncertain significance for CFTR-related disorders. Last evaluated: 2019-02-14. Review status: no assertion criteria provided. Collection method: clinical testing. Allele origin: germline. Not counted in ClinVar's aggregate classification.

NM_000492.4(CFTR):c.2469A>T (p.Glu823Asp)

Gene: CFTR (CF transmembrane conductance regulator; plus strand). Cytogenetic location: 7q31.2.
Variant type: single nucleotide variant.
Coding change: c.2469A>T on transcript NM_000492.4 (MANE Select); coding-DNA position 2469, A replaced by T.
Protein change: p.Glu823Asp; replaces glutamic acid 823 with aspartic acid.
Molecular consequence: missense variant.
Genome position (GRCh38, 1-based): chr7:117,592,636, A>T. VCF-style: chr7-117592636-A-T. GRCh37 (hg19) VCF-style: chr7-117232690-A-T.
Other names: p.Glu823Asp; short protein forms E823D.
Identifiers: ClinVar variation 974985 (VCV000974985.4), dbSNP rs777667933, ClinGen allele CA4451185.